The following is an entry in ClinVar:

NM_005592.4(MUSK):c.952G>A (p.Ala318Thr)

Gene: MUSK (muscle associated receptor tyrosine kinase; plus strand). Cytogenetic location: 9q31.3.
Variant type: single nucleotide variant.
Coding change: c.952G>A on transcript NM_005592.4 (MANE Select); coding-DNA position 952, G replaced by A.
Protein change: p.Ala318Thr; replaces alanine 318 with threonine.
Molecular consequence: missense variant. On other transcripts: 5 prime UTR variant (1), intron variant (2).
Genome position (GRCh38, 1-based): chr9:110,767,851, G>A. VCF-style: chr9-110767851-G-A. GRCh37 (hg19) VCF-style: chr9-113530131-G-A.
Other names: c.-285G>A (NM_001369398.1); c.950+5643G>A (NM_001166280.2); c.920+5643G>A (NM_001166281.2); c.952G>A (NM_005592.3); short protein forms A318T.
Identifiers: ClinVar variation 2058845 (VCV002058845.5), dbSNP rs369023786, ClinGen allele CA5184251.
Genomic context (GRCh38, chr9:110,767,851, plus strand): 5'-TTAGAAATGTTGTTCATTTCTTCTTTCAGTAAACCACAGAAAGATAACAAAGGCTACTGC[G>A]CCCAGTACAGAGGGGAGGTGTGTAATGCAGTCCTGGCAAAAGATGCTCTTGTTTTTCTCA-3'
Protein context (NP_005583.1, residues 308-328): KPQKDNKGYC[Ala318Thr]QYRGEVCNAV

ClinVar aggregate classification (germline): Uncertain significance. Review status: criteria provided, multiple submitters, no conflicts (2 of 4 stars). 3 submissions from 3 submitters: Uncertain significance (3). Last evaluated 2024-06-17.

Conditions:
Congenital myasthenic syndrome 9. Also called: Myasthenic syndrome, congenital, 9, associated with acetylcholine receptor deficiency. Identifiers: Orphanet 590, MedGen C4225368, MONDO:0014587, OMIM 616325.
Fetal akinesia deformation sequence 1 (FADS1). Also called: Fetal akinesia sequence; Pena-Shokeir syndrome type I. Identifiers: Orphanet 994, MedGen C1276035, MONDO:0100101, OMIM 208150, HP:0001989.
Inborn genetic diseases. Identifiers: MedGen C0950123, MeSH D030342.

Allele frequency attached by ClinVar (database versions not stated): TOPMed 0.00001; ExAC 0.00002; gnomAD 0.00002; gnomAD exomes 0.00002; ESP Exome Variant Server 0.00008.
gnomAD v4.1: 36 of 1,613,804 alleles (0.0022%); highest among the groups gnomAD compares: Middle Eastern, 0.016%; no homozygotes.

Submissions (3):

Ambry Genetics
Classification: Uncertain significance for Inborn genetic diseases. Last evaluated: 2024-06-17. Review status: criteria provided, single submitter. Criteria: Ambry Variant Classification Scheme 2023. Collection method: clinical testing. Allele origin: germline.

Labcorp Genetics (formerly Invitae), Labcorp
Classification: Uncertain significance for Congenital myasthenic syndrome 9; Fetal akinesia deformation sequence 1. Last evaluated: 2022-08-21. Review status: criteria provided, single submitter. Criteria: Invitae Variant Classification Sherloc (09022015). Collection method: clinical testing. Allele origin: germline.
Comment: This sequence change replaces alanine, which is neutral and non-polar, with threonine, which is neutral and polar, at codon 318 of the MUSK protein (p.Ala318Thr). This variant is present in population databases (rs369023786, gnomAD 0.008%). This variant has not been reported in the literature in individuals affected with MUSK-related conditions. Advanced modeling of protein sequence and biophysical properties (such as structural, functional, and spatial information, amino acid conservation, physicochemical variation, residue mobility, and thermodynamic stability) performed at Invitae indicates that this missense variant is not expected to disrupt MUSK protein function. In summary, the available evidence is currently insufficient to determine the role of this variant in disease. Therefore, it has been classified as a Variant of Uncertain Significance.

Revvity Omics, Revvity
Classification: Uncertain significance. Last evaluated: 2019-03-27. Review status: criteria provided, single submitter. Criteria: ACMG Guidelines, 2015. Collection method: clinical testing. Allele origin: germline.